The following is an entry in ClinVar:

ClinVar aggregate classification (germline): Uncertain significance (1 of 4 stars; one submission).

Conditions:
Hereditary cancer-predisposing syndrome. Also called: Hereditary Cancer Syndrome; Hereditary neoplastic syndrome; Neoplastic Syndromes, Hereditary; Tumor predisposition. Identifiers: Orphanet 140162, MedGen C0027672, MeSH D009386, MONDO:0015356.

Allele frequency attached by ClinVar (database versions not stated): gnomAD exomes below 0.00001.
gnomAD v4.1: 1 of 1,613,962 alleles (0.000062%); highest among the groups gnomAD compares: Non-Finnish European, 0.000085%; no homozygotes.

Submission:

Ambry Genetics
Classification: Uncertain significance for Hereditary cancer-predisposing syndrome. Last evaluated: 2022-05-07. Review status: criteria provided, single submitter. Criteria: Ambry Variant Classification Scheme 2023. Collection method: clinical testing. Allele origin: germline.
Comment: The p.R431K variant (also known as c.1292G>A), located in coding exon 6 of the BLM gene, results from a G to A substitution at nucleotide position 1292. The arginine at codon 431 is replaced by lysine, an amino acid with highly similar properties. This amino acid position is conserved. In addition, this alteration is predicted to be tolerated by in silico analysis. Since supporting evidence is limited at this time, the clinical significance of this alteration remains unclear.

NM_000057.4(BLM):c.1292G>A (p.Arg431Lys)

Gene: BLM (BLM RecQ like helicase; plus strand). Cytogenetic location: 15q26.1.
Variant type: single nucleotide variant.
Coding change: c.1292G>A on transcript NM_000057.4 (MANE Select); coding-DNA position 1292, G replaced by A.
Protein change: p.Arg431Lys; replaces arginine 431 with lysine.
Molecular consequence: missense variant.
Genome position (GRCh38, 1-based): chr15:90,760,665, G>A. VCF-style: chr15-90760665-G-A. GRCh37 (hg19) VCF-style: chr15-91303895-G-A.
Other names: c.1292G>A, p.Arg431Lys (NM_001287246.2, NM_001287247.2); c.167G>A, p.Arg56Lys (NM_001287248.2); short protein forms R431K, R56K.
Identifiers: ClinVar variation 1769141 (VCV001769141.2), dbSNP rs2151157893, ClinGen allele CA393842746.